The following is an entry in ClinVar:

NM_170606.3(KMT2C):c.12587_12589del (p.Gln4196_Trp4197delinsArg)

Gene: KMT2C (lysine methyltransferase 2C; minus strand). Cytogenetic location: 7q36.1.
Variant type: Deletion.
Coding change: c.12587_12589del on transcript NM_170606.3 (MANE Select); coding-DNA positions 12587 to 12589, 3 bases deleted (AGT; older notation c.12587_12589delAGT).
Protein change: p.Gln4196_Trp4197delinsArg.
Molecular consequence: inframe indel.
Genome position (GRCh38, 1-based): chr7:152,151,519-152,151,521, ACT deleted on the plus strand (AGT on the coding strand, the reverse complement: KMT2C is on the minus strand). VCF-style (leftmost placement, unchanged base first): chr7-152151518-CACT-C. GRCh37 (hg19) VCF-style: chr7-151848603-CACT-C.
Identifiers: ClinVar variation 2582084 (VCV002582084.1), dbSNP rs2487614953, ClinGen allele CA2582341952.
Genomic context (GRCh38, chr7:152,151,518, plus strand): 5'-AGATCTTTGAAAGATTTCCGCACACCACTTCCAAGAATAACCACTTTACAATGACAACAC[CACT>C]GTGGTCTGAGTGCTGCGCTTTCTGCAATACCATGACTAGAATCCTTATATCCAGAAAGAC-3'

ClinVar aggregate classification (germline): Uncertain significance (1 of 4 stars; one submission).

Submission:

GeneDx
Classification: Uncertain significance. Last evaluated: 2023-03-28. Review status: criteria provided, single submitter. Criteria: GeneDx Variant Classification Process June 2021. Collection method: clinical testing. Allele origin: germline. Affected: yes.
Comment: In-frame deletion of 2 amino acids and insertion of 1 incorrect amino acid in a non-repeat region; Not observed at significant frequency in large population cohorts (gnomAD); In silico analysis supports a deleterious effect on protein structure/function; Has not been previously published as pathogenic or benign to our knowledge